The following is an entry in ClinVar:

NM_000507.4(FBP1):c.582_585del (p.Ile195fs)

Gene: FBP1 (fructose-bisphosphatase 1; minus strand). Cytogenetic location: 9q22.32.
Variant type: Deletion.
Coding change: c.582_585del on transcript NM_000507.4 (MANE Select); coding-DNA positions 582 to 585, 4 bases deleted (CATT; older notation c.582_585delCATT).
Protein change: p.Ile195fs; shifts the reading frame from isoleucine 195.
Molecular consequence: frameshift variant.
Genome position (GRCh38, 1-based): chr9:94,606,935-94,606,938, AATG deleted on the plus strand (CATT on the coding strand, the reverse complement: FBP1 is on the minus strand); deleting any 4 consecutive bases within chr9:94,606,935-94,606,940 gives the same sequence; the c. name uses the placement nearest the transcript's 3' end. VCF-style (leftmost placement, unchanged base first): chr9-94606934-AAATG-A. GRCh37 (hg19) VCF-style: chr9-97369216-AAATG-A.
Other names: c.582_585del, p.Ile195fs (NM_001127628.2); short protein forms I195fs.
Identifiers: ClinVar variation 4731288 (VCV004731288.1).
Genomic context (GRCh38, chr9:94,606,934, plus strand): 5'-AGCCCTCGTTAAGGCTGTAGATTTTACCTTTCTTTTTTATCTTCACATCCTTGTCCACCA[AAATG>A]AACTCCCCGATGGCCTTTTTAGACAAGGAAGGAAAGGTGGAGAGATGACGAGCGCACTGG-3'

ClinVar aggregate classification (germline): Pathogenic (1 of 4 stars; one submission).

Conditions:
Fructose-biphosphatase deficiency (FBP1D). Also called: Fructose-1,6-Diphosphatase Deficiency; Fructose 1,6 Bisphosphatase Deficiency; Fructose-1,6-Bisphosphatase 1 Deficiency. Identifiers: Orphanet 348, MedGen C0016756, MONDO:0009251, OMIM 229700.

Submission:

Labcorp Genetics (formerly Invitae), Labcorp
Classification: Pathogenic for Fructose-biphosphatase deficiency. Last evaluated: 2025-11-16. Review status: criteria provided, single submitter. Criteria: Invitae Variant Classification Sherloc (09022015). Collection method: clinical testing. Allele origin: germline.
Comment: This sequence change creates a premature translational stop signal (p.Ile195Trpfs*6) in the FBP1 gene. It is expected to result in an absent or disrupted protein product. Loss-of-function variants in FBP1 are known to be pathogenic (PMID: 9382095, 19259699, 27101822). This variant is not present in population databases (gnomAD no frequency). This variant has not been reported in the literature in individuals affected with FBP1-related conditions. For these reasons, this variant has been classified as Pathogenic.

Literature cited by the submitters: PubMed 9382095; PubMed 19259699; PubMed 27101822.